The following is an entry in ClinVar:

ClinVar aggregate classification (germline): Likely pathogenic. Review status: criteria provided, multiple submitters, no conflicts (2 of 4 stars). 3 submissions from 3 submitters: Likely pathogenic (3). Last evaluated 2026-01-26.

Conditions:
Autosomal recessive polycystic kidney disease (ARPKD). Also called: AR polycystic kidney disease. Identifiers: Orphanet 731, Orphanet 8378, MedGen C0085548, MeSH D017044, MONDO:0009889.

Submissions (3):

Women's Health and Genetics/Laboratory Corporation of America, LabCorp
Classification: Likely pathogenic for Autosomal recessive polycystic kidney disease. Last evaluated: 2026-01-26. Review status: criteria provided, single submitter. Criteria: LabCorp Variant Classification Summary - May 2015. Collection method: clinical testing. Allele origin: germline.
Comment: Variant summary: PKHD1 c.3098-2A>T is located in a canonical splice-site and is predicted to affect mRNA splicing resulting in a significantly altered protein due to either exon skipping, shortening, or inclusion of intronic material. Variants that disrupt the consensus splice site are a relatively common cause of aberrant splicing and loss of PKHD1 function. Several computational tools predict a significant impact on normal splicing: Four predict the variant abolishes a 3' acceptor site. However, these predictions have yet to be confirmed by functional studies. The variant was absent in 251310 control chromosomes. To our knowledge, no occurrence of c.3098-2A>T in individuals affected with PKHD1-related conditions and no experimental evidence demonstrating its impact on protein function have been reported. ClinVar contains an entry for this variant (Variation ID: 2993888). Based on the evidence outlined above, the variant was classified as likely pathogenic.

Natera, Inc.
Classification: Likely pathogenic for Autosomal recessive polycystic kidney disease. Last evaluated: 2026-01-20. Review status: criteria provided, single submitter. Criteria: Natera Variant Classification Schema (03/2026). Collection method: clinical testing. Allele origin: germline.
Comment: The c.3098-2A>T variant in PKHD1 is a canonical splice acceptor site variant predicted to affect pre-mRNA splicing, which may result in an abnormal transcript and altered protein product. This variant is expected to result in nonsense mediated decay, truncation, or a dysfunctional protein product. This variant is rare in the general population with a frequency below the threshold expected for the associated phenotype(s). Given the available evidence, this variant is classified as Likely Pathogenic.

Labcorp Genetics (formerly Invitae), Labcorp
Classification: Likely pathogenic for Autosomal recessive polycystic kidney disease. Last evaluated: 2023-09-30. Review status: criteria provided, single submitter. Criteria: Invitae Variant Classification Sherloc (09022015). Collection method: clinical testing. Allele origin: germline.
Comment: In summary, the currently available evidence indicates that the variant is pathogenic, but additional data are needed to prove that conclusively. Therefore, this variant has been classified as Likely Pathogenic. Algorithms developed to predict the effect of sequence changes on RNA splicing suggest that this variant may disrupt the consensus splice site. This variant has not been reported in the literature in individuals affected with PKHD1-related conditions. This variant is not present in population databases (gnomAD no frequency). This sequence change affects an acceptor splice site in intron 27 of the PKHD1 gene. It is expected to disrupt RNA splicing. Variants that disrupt the donor or acceptor splice site typically lead to a loss of protein function (PMID: 16199547), and loss-of-function variants in PKHD1 are known to be pathogenic (PMID: 19940839).

Literature cited by the submitters: PubMed 16199547 (cited by Labcorp Genetics (formerly Invitae), Labcorp); PubMed 19940839 (cited by Labcorp Genetics (formerly Invitae), Labcorp).

NM_138694.4(PKHD1):c.3098-2A>T

Gene: PKHD1 (PKHD1 ciliary IPT domain containing fibrocystin/polyductin; minus strand). Cytogenetic location: 6p12.2.
Variant type: single nucleotide variant.
Coding change: c.3098-2A>T on transcript NM_138694.4 (MANE Select); the canonical splice acceptor site of the intron before coding-DNA position 3098, A replaced by T.
Molecular consequence: splice acceptor variant.
Genome position (GRCh38, 1-based): chr6:52,035,723, T>A on the plus strand (A>T on the coding strand, the complement: PKHD1 is on the minus strand). VCF-style: chr6-52035723-T-A. GRCh37 (hg19) VCF-style: chr6-51900521-T-A.
Other names: c.3098-2A>T (NM_170724.3, NM_138694.3).
Identifiers: ClinVar variation 2993888 (VCV002993888.5), dbSNP rs1013567047, ClinGen allele CA138955153.